The following is an entry in ClinVar:

NM_144670.6(A2ML1):c.1793T>A (p.Val598Asp)

Gene: A2ML1 (alpha-2-macroglobulin like 1; plus strand). Cytogenetic location: 12p13.31.
Variant type: single nucleotide variant.
Coding change: c.1793T>A on transcript NM_144670.6 (MANE Select); coding-DNA position 1793, T replaced by A.
Protein change: p.Val598Asp; replaces valine 598 with aspartic acid.
Molecular consequence: missense variant.
Genome position (GRCh38, 1-based): chr12:8,847,658, T>A. VCF-style: chr12-8847658-T-A. GRCh37 (hg19) VCF-style: chr12-9000254-T-A.
Other names: c.320T>A, p.Val107Asp (NM_001282424.3); short protein forms V107D, V598D.
Identifiers: ClinVar variation 3839511 (VCV003839511.1).
Genomic context (GRCh38, chr12:8,847,658, plus strand): 5'-AGCTGCAGCTGCAGGCAGCTCCCGGATCCCTGTGTGCGCTCCGGGCGGTGGATGAGAGTG[T>A]CTTACTGCTTAGGCCAGACAGAGAGCTGAGCAACCGCTCTGTGAGTAACTGTCTGCTGAC-3'
Protein context (NP_653271.3, residues 588-608): LCALRAVDES[Val598Asp]LLLRPDRELS

ClinVar aggregate classification (germline): Uncertain significance (1 of 4 stars; one submission).

Submission:

Ambry Genetics
Classification: Uncertain significance. Last evaluated: 2024-12-13. Review status: criteria provided, single submitter. Criteria: Ambry Variant Classification Scheme 2023. Collection method: clinical testing. Allele origin: germline.
Comment: The p.V598D variant (also known as c.1793T>A), located in coding exon 15 of the A2ML1 gene, results from a T to A substitution at nucleotide position 1793. The valine at codon 598 is replaced by aspartic acid, an amino acid with highly dissimilar properties. This amino acid position is conserved. In addition, this alteration is predicted to be deleterious by in silico analysis. Based on the available evidence, the clinical significance of this variant remains unclear.